The following is an entry in ClinVar:

NM_000439.5(PCSK1):c.190C>G (p.Leu64Val)

Genes: CAST (calpastatin; plus strand), PCSK1 (proprotein convertase subtilisin/kexin type 1; minus strand), LOC101929710 (uncharacterized LOC101929710; plus strand). Cytogenetic location: 5q15.
Variant type: single nucleotide variant.
Coding change: c.190C>G on transcript NM_000439.5 (MANE Select); coding-DNA position 190, C replaced by G.
Protein change: p.Leu64Val; replaces leucine 64 with valine.
Molecular consequence: missense variant. On other transcripts: intron variant (11).
Genome position (GRCh38, 1-based): chr5:96,429,308, G>C on the plus strand (C>G on the coding strand, the complement: PCSK1 is on the minus strand). VCF-style: chr5-96429308-G-C. GRCh37 (hg19) VCF-style: chr5-95765012-G-C.
Other names: c.49C>G, p.Leu17Val (NM_001177875.2); c.-175+49656G>C (NM_001423254.1, NM_001423259.1, NM_001423255.1 and 6 more transcripts); c.-103+49656G>C (NM_001423253.1); c.-40+49656G>C (NM_001423258.1); short protein forms L64V, L17V.
Identifiers: ClinVar variation 4991707 (VCV004991707.1).

ClinVar aggregate classification (germline): Uncertain significance (1 of 4 stars; one submission).

Conditions:
PCSK1-related disorder. Also called: PCSK1-related condition.

Submission:

PreventionGenetics, part of Exact Sciences
Classification: Uncertain significance for PCSK1-related condition. Last evaluated: 2025-08-19. Review status: criteria provided, single submitter. Criteria: ACMG Guidelines, 2015. Collection method: clinical testing. Allele origin: germline.
Comment: The PCSK1 c.190C>G variant is predicted to result in the amino acid substitution p.Leu64Val. To our knowledge, this variant has not been reported in the literature or in a large population database (gnomAD), indicating this variant is rare. At this time, the clinical significance of this variant is uncertain due to the absence of conclusive functional and genetic evidence.